The following is an entry in ClinVar:

ClinVar aggregate classification (germline): Uncertain significance. Review status: criteria provided, multiple submitters, no conflicts (2 of 4 stars). 2 submissions from 2 submitters: Uncertain significance (2). Last evaluated 2026-05-07.

Conditions:
Hereditary cancer-predisposing syndrome. Also called: Tumor predisposition; Neoplastic Syndromes, Hereditary; Hereditary Cancer Syndrome; Hereditary neoplastic syndrome. Identifiers: Orphanet 140162, MedGen C0027672, MeSH D009386, MONDO:0015356.
Ataxia-telangiectasia syndrome (AT). Also called: Ataxia-telangiectasia, complementation group D; ATAXIA-TELANGIECTASIA, COMPLEMENTATION GROUP A; ATAXIA-TELANGIECTASIA, FRESNO VARIANT; Ataxia-telangiectasia; AT, COMPLEMENTATION GROUP C; LOUIS-BAR SYNDROME. Identifiers: Orphanet 100, MedGen C0004135, MONDO:0008840, OMIM 208900.

Submissions (2):

Ambry Genetics
Classification: Uncertain significance for Hereditary cancer-predisposing syndrome. Last evaluated: 2026-05-07. Review status: criteria provided, single submitter. Criteria: Ambry Variant Classification Scheme 2023. Collection method: clinical testing. Allele origin: germline.
Comment: The p.C907R variant (also known as c.2719T>C), located in coding exon 17 of the ATM gene, results from a T to C substitution at nucleotide position 2719. The cysteine at codon 907 is replaced by arginine, an amino acid with highly dissimilar properties. In an assay testing ATM function, this variant showed a functionally abnormal result (Lee KS et al. Cell, 2025 Sep;188:5081-5099.e27). This amino acid position is well conserved in available vertebrate species. In addition, the in silico prediction for this alteration is inconclusive. Based on the available evidence, the clinical significance of this variant remains unclear.

Labcorp Genetics (formerly Invitae), Labcorp
Classification: Uncertain significance for Ataxia-telangiectasia syndrome. Last evaluated: 2022-05-30. Review status: criteria provided, single submitter. Criteria: Invitae Variant Classification Sherloc (09022015). Collection method: clinical testing. Allele origin: germline.
Comment: In summary, the available evidence is currently insufficient to determine the role of this variant in disease. Therefore, it has been classified as a Variant of Uncertain Significance. Advanced modeling of protein sequence and biophysical properties (such as structural, functional, and spatial information, amino acid conservation, physicochemical variation, residue mobility, and thermodynamic stability) performed at Invitae indicates that this missense variant is not expected to disrupt ATM protein function. ClinVar contains an entry for this variant (Variation ID: 1461818). This variant has not been reported in the literature in individuals affected with ATM-related conditions. This variant is not present in population databases (gnomAD no frequency). This sequence change replaces cysteine, which is neutral and slightly polar, with arginine, which is basic and polar, at codon 907 of the ATM protein (p.Cys907Arg).

Literature cited by the submitters: PubMed 40580951 (cited by Ambry Genetics).

NM_000051.4(ATM):c.2719T>C (p.Cys907Arg)

Gene: ATM (ATM serine/threonine kinase; plus strand). Cytogenetic location: 11q22.3.
Variant type: single nucleotide variant.
Coding change: c.2719T>C on transcript NM_000051.4 (MANE Select); coding-DNA position 2719, T replaced by C.
Protein change: p.Cys907Arg; replaces cysteine 907 with arginine.
Molecular consequence: missense variant.
Genome position (GRCh38, 1-based): chr11:108,268,490, T>C. VCF-style: chr11-108268490-T-C. GRCh37 (hg19) VCF-style: chr11-108139217-T-C.
Other names: c.2719T>C, p.Cys907Arg (NM_001351834.2); c.2719T>C (NM_000051.3); short protein forms C907R.
Identifiers: ClinVar variation 1461818 (VCV001461818.9), dbSNP rs2135524707, ClinGen allele CA382545305.